The following is an entry in ClinVar:

NM_004655.4(AXIN2):c.148_149delinsTT (p.Pro50Phe)

Gene: AXIN2 (axin 2; minus strand). Cytogenetic location: 17q24.1.
Variant type: Indel.
Coding change: c.148_149delinsTT on transcript NM_004655.4 (MANE Select); coding-DNA positions 148 to 149, CC replaced by TT.
Protein change: p.Pro50Phe; replaces proline 50 with phenylalanine.
Molecular consequence: missense variant.
Genome position (GRCh38, 1-based): chr17:65,558,472-65,558,473, GG replaced by AA on the plus strand (CC replaced by TT on the coding strand, the reverse complement: AXIN2 is on the minus strand). VCF-style: chr17-65558472-GG-AA. GRCh37 (hg19) VCF-style: chr17-63554590-GG-AA.
Other names: c.148_149delinsTT, p.Pro50Phe (NM_001363813.1); short protein forms P50F.
Identifiers: ClinVar variation 1773553 (VCV001773553.3), dbSNP rs2544254629, ClinGen allele CA2580095214.

ClinVar aggregate classification (germline): Uncertain significance (1 of 4 stars; one submission).

Conditions:
Hereditary cancer-predisposing syndrome. Also called: Tumor predisposition; Hereditary Cancer Syndrome; Hereditary neoplastic syndrome; Neoplastic Syndromes, Hereditary. Identifiers: Orphanet 140162, MedGen C0027672, MeSH D009386, MONDO:0015356.

Submission:

Ambry Genetics
Classification: Uncertain significance for Hereditary cancer-predisposing syndrome. Last evaluated: 2025-12-19. Review status: criteria provided, single submitter. Criteria: Ambry Variant Classification Scheme 2023. Collection method: clinical testing. Allele origin: germline.
Comment: The c.148_149delCCinsTT variant (also known as p.P50F), located in coding exon 1 of the AXIN2 gene, results from an in-frame deletion of CC and insertion of TT at nucleotide positions 148 to 149. This results in the substitution of the proline residue for a phenylalanine residue at codon 50, an amino acid with dissimilar properties. This amino acid position is well conserved in available vertebrate species. In addition, the in silico prediction for this variant is inconclusive (Choi Y et al. PLoS ONE. 2012; 7(10):e46688). Based on the available evidence, the clinical significance of this variant remains unclear.